The following is an entry in ClinVar:

NM_001142800.2(EYS):c.1762C>A (p.Pro588Thr)

Gene: EYS (EGF-like photoreceptor maintenance factor; minus strand). Cytogenetic location: 6q12.
Variant type: single nucleotide variant.
Coding change: c.1762C>A on transcript NM_001142800.2 (MANE Select); coding-DNA position 1762, C replaced by A.
Protein change: p.Pro588Thr; replaces proline 588 with threonine.
Molecular consequence: missense variant.
Genome position (GRCh38, 1-based): chr6:65,334,984, G>T on the plus strand (C>A on the coding strand, the complement: EYS is on the minus strand). VCF-style: chr6-65334984-G-T. GRCh37 (hg19) VCF-style: chr6-66044877-G-T.
Other names: c.1762C>A, p.Pro588Thr (NM_001142801.2, NM_001292009.2, NM_198283.2); short protein forms P588T.
Identifiers: ClinVar variation 2239074 (VCV002239074.6), dbSNP rs749363743, ClinGen allele CA364660908.

ClinVar aggregate classification (germline): Uncertain significance. Review status: criteria provided, multiple submitters, no conflicts (2 of 4 stars). 3 submissions from 3 submitters: Uncertain significance (2). 1 of the submissions does not count toward it. Last evaluated 2023-10-20.

Conditions:
Inborn genetic diseases. Identifiers: MedGen C0950123, MeSH D030342.
Retinal dystrophy. Also called: Inherited retinal dystrophy. Identifiers: Orphanet 71862, MedGen C0854723, MeSH D058499, MONDO:0019118, HP:0000556.

gnomAD v4.1: 3 of 1,606,248 alleles (0.00019%); highest among the groups gnomAD compares: Middle Eastern, 0.017%; no homozygotes.

Submissions (3):

Labcorp Genetics (formerly Invitae), Labcorp
Classification: Uncertain significance. Last evaluated: 2023-10-20. Review status: criteria provided, single submitter. Criteria: Invitae Variant Classification Sherloc (09022015). Collection method: clinical testing. Allele origin: germline.
Comment: This sequence change replaces proline, which is neutral and non-polar, with threonine, which is neutral and polar, at codon 588 of the EYS protein (p.Pro588Thr). This variant is not present in population databases (gnomAD no frequency). This variant has not been reported in the literature in individuals affected with EYS-related conditions. ClinVar contains an entry for this variant (Variation ID: 2239074). Advanced modeling of protein sequence and biophysical properties (such as structural, functional, and spatial information, amino acid conservation, physicochemical variation, residue mobility, and thermodynamic stability) has been performed at Invitae for this missense variant, however the output from this modeling did not meet the statistical confidence thresholds required to predict the impact of this variant on EYS protein function. In summary, the available evidence is currently insufficient to determine the role of this variant in disease. Therefore, it has been classified as a Variant of Uncertain Significance.

Ambry Genetics
Classification: Uncertain significance for Inborn genetic diseases. Last evaluated: 2021-07-21. Review status: criteria provided, single submitter. Criteria: Ambry Variant Classification Scheme 2023. Collection method: clinical testing. Allele origin: germline.

Institute of Human Genetics, Univ. Regensburg, Univ. Regensburg
Classification: Uncertain significance for Retinal dystrophy. Last evaluated: 2022-01-01. Review status: no assertion criteria provided. Criteria: ACMG Guidelines, 2015. Collection method: clinical testing. Allele origin: germline. Affected: yes. Not counted in ClinVar's aggregate classification.